The following is an entry in ClinVar:

ClinVar aggregate classification (germline): Likely benign (0 of 4 stars; one submission).

Conditions:
DENND4B-related disorder. Also called: DENND4B-related condition.

Allele frequency attached by ClinVar (database versions not stated): gnomAD exomes below 0.00001.
gnomAD v4.1: 2 of 1,613,960 alleles (0.00012%); highest among the groups gnomAD compares: South Asian, 0.0011%; no homozygotes.

Submission:

PreventionGenetics, part of Exact Sciences
Classification: Likely benign for DENND4B-related condition. Last evaluated: 2022-12-14. Review status: no assertion criteria provided. Collection method: clinical testing. Allele origin: germline.
Comment: This variant is classified as likely benign based on ACMG/AMP sequence variant interpretation guidelines (Richards et al. 2015 PMID: 25741868, with internal and published modifications).

NM_014856.3(DENND4B):c.1665G>A (p.Val555=)

Gene: DENND4B (DENN domain containing 4B; minus strand). Cytogenetic location: 1q21.3.
Variant type: single nucleotide variant.
Coding change: c.1665G>A on transcript NM_014856.3 (MANE Select); coding-DNA position 1665, G replaced by A.
Protein change: p.Val555=; no amino-acid change (valine 555 retained).
Molecular consequence: synonymous variant.
Genome position (GRCh38, 1-based): chr1:153,939,743, C>T on the plus strand (G>A on the coding strand, the complement: DENND4B is on the minus strand). VCF-style: chr1-153939743-C-T. GRCh37 (hg19) VCF-style: chr1-153912219-C-T.
Other names: c.1698G>A, p.Val566= (NM_001367466.1).
Identifiers: ClinVar variation 3046379 (VCV003046379.2), dbSNP rs1168826493, ClinGen allele CA420839363.